The following is an entry in ClinVar:

NM_001243925.2(MAPKAPK3):c.94C>G (p.Arg32Gly)

Gene: MAPKAPK3 (MAPK activated protein kinase 3; plus strand). Cytogenetic location: 3p21.2.
Variant type: single nucleotide variant.
Coding change: c.94C>G on transcript NM_001243925.2 (MANE Select); coding-DNA position 94, C replaced by G.
Protein change: p.Arg32Gly; replaces arginine 32 with glycine.
Molecular consequence: missense variant.
Genome position (GRCh38, 1-based): chr3:50,617,659, C>G. VCF-style: chr3-50617659-C-G. GRCh37 (hg19) VCF-style: chr3-50655090-C-G.
Other names: c.94C>G, p.Arg32Gly (NM_001243926.2, NM_004635.5); short protein forms R32G.
Identifiers: ClinVar variation 2761660 (VCV002761660.3), dbSNP rs1456669605, ClinGen allele CA352961450.

ClinVar aggregate classification (germline): Uncertain significance (1 of 4 stars; one submission).

Submission:

Labcorp Genetics (formerly Invitae), Labcorp
Classification: Uncertain significance. Last evaluated: 2024-02-26. Review status: criteria provided, single submitter. Criteria: Invitae Variant Classification Sherloc (09022015). Collection method: clinical testing. Allele origin: germline.
Comment: This sequence change replaces arginine, which is basic and polar, with glycine, which is neutral and non-polar, at codon 32 of the MAPKAPK3 protein (p.Arg32Gly). This variant is not present in population databases (gnomAD no frequency). This variant has not been reported in the literature in individuals affected with MAPKAPK3-related conditions. An algorithm developed to predict the effect of missense changes on protein structure and function (PolyPhen-2) suggests that this variant is likely to be tolerated. In summary, the available evidence is currently insufficient to determine the role of this variant in disease. Therefore, it has been classified as a Variant of Uncertain Significance.